The following is an entry in ClinVar:

NM_001130823.3(DNMT1):c.3575C>T (p.Ala1192Val)

Gene: DNMT1 (DNA methyltransferase 1; minus strand). Cytogenetic location: 19p13.2.
Variant type: single nucleotide variant.
Coding change: c.3575C>T on transcript NM_001130823.3 (MANE Select); coding-DNA position 3575, C replaced by T.
Protein change: p.Ala1192Val; replaces alanine 1192 with valine.
Molecular consequence: missense variant.
Genome position (GRCh38, 1-based): chr19:10,140,277, G>A on the plus strand (C>T on the coding strand, the complement: DNMT1 is on the minus strand). VCF-style: chr19-10140277-G-A. GRCh37 (hg19) VCF-style: chr19-10250953-G-A.
Other names: c.3527C>T, p.Ala1176Val (NM_001318730.2, NM_001379.4); c.3212C>T, p.Ala1071Val (NM_001318731.2); short protein forms A1071V, A1176V, A1192V.
Identifiers: ClinVar variation 1475683 (VCV001475683.8), dbSNP rs1434985283, ClinGen allele CA403973179.

ClinVar aggregate classification (germline): Uncertain significance (1 of 4 stars; one submission).

Conditions:
Hereditary sensory neuropathy-deafness-dementia syndrome. Also called: Hereditary sensory neuropathy type IE; NEUROPATHY, HEREDITARY SENSORY, WITH HEARING LOSS AND DEMENTIA; HSN IE; Hereditary Sensory and Autonomic Neuropathy Type 1E (HSAN1E). Identifiers: Orphanet 456318, MedGen C3279885, MONDO:0013584, OMIM 614116.

Allele frequency attached by ClinVar (database versions not stated): TOPMed below 0.00001.

Submission:

Labcorp Genetics (formerly Invitae), Labcorp
Classification: Uncertain significance for Hereditary sensory neuropathy-deafness-dementia syndrome. Last evaluated: 2023-08-24. Review status: criteria provided, single submitter. Criteria: Invitae Variant Classification Sherloc (09022015). Collection method: clinical testing. Allele origin: germline.
Comment: In summary, the available evidence is currently insufficient to determine the role of this variant in disease. Therefore, it has been classified as a Variant of Uncertain Significance. This sequence change replaces alanine, which is neutral and non-polar, with valine, which is neutral and non-polar, at codon 1192 of the DNMT1 protein (p.Ala1192Val). This variant is not present in population databases (gnomAD no frequency). This variant has not been reported in the literature in individuals affected with DNMT1-related conditions. ClinVar contains an entry for this variant (Variation ID: 1475683). Advanced modeling of protein sequence and biophysical properties (such as structural, functional, and spatial information, amino acid conservation, physicochemical variation, residue mobility, and thermodynamic stability) performed at Invitae indicates that this missense variant is expected to disrupt DNMT1 protein function.